The following is an entry in ClinVar:

NM_000642.3(AGL):c.2678C>T (p.Ala893Val)

Gene: AGL (amylo-alpha-1,6-glucosidase and 4-alpha-glucanotransferase; plus strand). Cytogenetic location: 1p21.2.
Variant type: single nucleotide variant.
Coding change: c.2678C>T on transcript NM_000642.3 (MANE Select); coding-DNA position 2678, C replaced by T.
Protein change: p.Ala893Val; replaces alanine 893 with valine.
Molecular consequence: missense variant.
Genome position (GRCh38, 1-based): chr1:99,884,700, C>T. VCF-style: chr1-99884700-C-T. GRCh37 (hg19) VCF-style: chr1-100350256-C-T.
Other names: c.2300C>T, p.Ala767Val (NM_001425332.1); c.2678C>T, p.Ala893Val (NM_000028.3, NM_000643.3, NM_000644.3 and 2 more transcripts); c.2630C>T, p.Ala877Val (NM_000646.3); c.2477C>T, p.Ala826Val (NM_001425327.1); c.2474C>T, p.Ala825Val (NM_001425328.1); short protein forms A877V, A893V, A767V, A825V, A826V.
Identifiers: ClinVar variation 1040762 (VCV001040762.9), dbSNP rs1652317076, ClinGen allele CA341322166.
Genomic context (GRCh38, chr1:99,884,700, plus strand): 5'-ACTTTAAATCTGGCAGCCTAGCTGTTGACAATGCAGATCCTATATTAAAAATTCCTTTTG[C>T]TTCGTAAGTATGCCTTGTTTGGTAGAGATTTGCCACCTTAATAAGTAAGTTACCACTAGA-3'
Protein context (NP_000633.2, residues 883-903): NADPILKIPF[Ala893Val]SLASRLTLAE

ClinVar aggregate classification (germline): Uncertain significance (1 of 4 stars; one submission).

Conditions:
Glycogen storage disease type III (GSD3). Also called: Cori disease; FORBES DISEASE. Identifiers: Orphanet 366, MedGen C0017922, MONDO:0009291, OMIM 232400.

Submission:

Labcorp Genetics (formerly Invitae), Labcorp
Classification: Uncertain significance for Glycogen storage disease type III. Last evaluated: 2020-08-27. Review status: criteria provided, single submitter. Criteria: Invitae Variant Classification Sherloc (09022015). Collection method: clinical testing. Allele origin: germline.
Comment: In summary, the available evidence is currently insufficient to determine the role of this variant in disease. Therefore, it has been classified as a Variant of Uncertain Significance. Algorithms developed to predict the effect of missense changes on protein structure and function output the following: SIFT: "Tolerated"; PolyPhen-2: "Benign"; Align-GVGD: "Class C0". The valine amino acid residue is found in multiple mammalian species, suggesting that this missense change does not adversely affect protein function. These predictions have not been confirmed by published functional studies and their clinical significance is uncertain. This variant has not been reported in the literature in individuals with AGL-related conditions. This variant is not present in population databases (ExAC no frequency). This sequence change replaces alanine with valine at codon 893 of the AGL protein (p.Ala893Val). The alanine residue is weakly conserved and there is a small physicochemical difference between alanine and valine.